The following is an entry in ClinVar:

ClinVar aggregate classification (germline): Uncertain significance (1 of 4 stars; one submission).

Allele frequency attached by ClinVar (database versions not stated): ESP Exome Variant Server 0.00008; ExAC 0.00002; gnomAD 0.00004; gnomAD exomes 0.00001; TOPMed 0.00003.
gnomAD v4.1: 24 of 1,613,932 alleles (0.0015%); highest among the groups gnomAD compares: African/African-American, 0.011%; no homozygotes.

Submission:

Labcorp Genetics (formerly Invitae), Labcorp
Classification: Uncertain significance. Last evaluated: 2025-12-02. Review status: criteria provided, single submitter. Criteria: Invitae Variant Classification Sherloc (09022015). Collection method: clinical testing. Allele origin: germline.
Comment: This sequence change affects codon 616 of the IGF1R mRNA. It is a 'silent' change, meaning that it does not change the encoded amino acid sequence of the IGF1R protein. This variant is present in population databases (rs149592500, gnomAD 0.01%). This variant has not been reported in the literature in individuals affected with IGF1R-related conditions. ClinVar contains an entry for this variant (Variation ID: 2730346). Algorithms developed to predict the effect of sequence changes on RNA splicing suggest that this variant may create or strengthen a splice site. In summary, the available evidence is currently insufficient to determine the role of this variant in disease. Therefore, it has been classified as a Variant of Uncertain Significance.

NM_000875.5(IGF1R):c.1848C>T (p.Asp616=)

Gene: IGF1R (insulin like growth factor 1 receptor; plus strand). Cytogenetic location: 15q26.3.
Variant type: single nucleotide variant.
Coding change: c.1848C>T on transcript NM_000875.5 (MANE Select); coding-DNA position 1848, C replaced by T.
Protein change: p.Asp616=; no amino-acid change (aspartic acid 616 retained).
Molecular consequence: synonymous variant.
Genome position (GRCh38, 1-based): chr15:98,915,983, C>T. VCF-style: chr15-98915983-C-T. GRCh37 (hg19) VCF-style: chr15-99459212-C-T.
Other names: c.1848C>T, p.Asp616= (NM_001291858.2).
Identifiers: ClinVar variation 2730346 (VCV002730346.3), dbSNP rs149592500, ClinGen allele CA7752231.